The following is an entry in ClinVar:

NM_001267550.2(TTN):c.95232C>G (p.Ile31744Met)

Genes: TTN (titin; minus strand), TTN-AS1 (TTN antisense RNA 1; plus strand). Cytogenetic location: 2q31.2.
Variant type: single nucleotide variant.
Coding change: c.95232C>G on transcript NM_001267550.2 (MANE Select); coding-DNA position 95232, C replaced by G.
Protein change: p.Ile31744Met; replaces isoleucine 31744 with methionine.
Molecular consequence: missense variant.
Genome position (GRCh38, 1-based): chr2:178,546,004, G>C on the plus strand (C>G on the coding strand, the complement: TTN is on the minus strand). VCF-style: chr2-178546004-G-C. GRCh37 (hg19) VCF-style: chr2-179410731-G-C.
Other names: c.90309C>G, p.Ile30103Met (NM_001256850.1); c.68037C>G, p.Ile22679Met (NM_003319.4); c.87528C>G, p.Ile29176Met (NM_133378.4); c.68412C>G, p.Ile22804Met (NM_133432.3); c.68613C>G, p.Ile22871Met (NM_133437.4); short protein forms I22679M, I30103M, I31744M, I22871M, I29176M, I22804M.
Identifiers: ClinVar variation 1755535 (VCV001755535.2), dbSNP rs267599026, ClinGen allele CA349463868.

ClinVar aggregate classification (germline): Uncertain significance (1 of 4 stars; one submission).

Conditions:
Cardiovascular phenotype. Identifiers: MedGen CN230736.

Submission:

Ambry Genetics
Classification: Uncertain significance for Cardiovascular phenotype. Last evaluated: 2020-03-05. Review status: criteria provided, single submitter. Criteria: Ambry Variant Classification Scheme 2023. Collection method: clinical testing. Allele origin: germline.
Comment: The p.I22679M variant (also known as c.68037C>G), located in coding exon 170 of the TTN gene, results from a C to G substitution at nucleotide position 68037. The isoleucine at codon 22679 is replaced by methionine, an amino acid with highly similar properties. This amino acid position is well conserved in available vertebrate species. In addition, this alteration is predicted to be tolerated by in silico analysis. Since supporting evidence is limited at this time, the clinical significance of this alteration remains unclear.